The following is an entry in ClinVar:

NM_000782.5(CYP24A1):c.1385G>A (p.Cys462Tyr)

Gene: CYP24A1 (cytochrome P450 family 24 subfamily A member 1; minus strand). Cytogenetic location: 20q13.2.
Variant type: single nucleotide variant.
Coding change: c.1385G>A on transcript NM_000782.5 (MANE Select); coding-DNA position 1385, G replaced by A.
Protein change: p.Cys462Tyr; replaces cysteine 462 with tyrosine.
Molecular consequence: missense variant. On other transcripts: intron variant (3).
Genome position (GRCh38, 1-based): chr20:54,157,437, C>T on the plus strand (G>A on the coding strand, the complement: CYP24A1 is on the minus strand). VCF-style: chr20-54157437-C-T. GRCh37 (hg19) VCF-style: chr20-52773976-C-T.
Other names: c.1385G>A, p.Cys462Tyr (NM_001424340.1, NM_001424341.1); c.1237-148G>A (NM_001128915.2, NM_001424343.1, NM_001424342.1); short protein forms C462Y.
Identifiers: ClinVar variation 4074267 (VCV004074267.1).

ClinVar aggregate classification (germline): Uncertain significance (1 of 4 stars; one submission).

Conditions:
Hypercalcemia, infantile, 1 (HCINF1). Identifiers: Orphanet 300547, MedGen CN031131, MONDO:0020739, OMIM 143880.

gnomAD v4.1: 41 of 1,607,568 alleles (0.0026%); highest among the groups gnomAD compares: South Asian, 0.037%; 1 homozygote.

Submission:

Rare Kidney Stone Consortium and the Mayo Clinic Hyperoxaluria Center, Mayo Clinic
Classification: Uncertain significance for Hypercalcemia, infantile, 1. Last evaluated: 2025-05-01. Review status: criteria provided, single submitter. Criteria: ACMG Guidelines, 2015. Collection method: research. Allele origin: germline.
Comment: ACMG: PP2, PP3

heterozygote

Literature cited by the submitters: PubMed 34805638.